The following is an entry in ClinVar:

ClinVar aggregate classification (germline): Uncertain significance. Review status: criteria provided, multiple submitters, no conflicts (2 of 4 stars). 3 submissions from 3 submitters: Uncertain significance (3). Last evaluated 2025-10-30.

Conditions:
Autosomal recessive distal spinal muscular atrophy 1. Also called: NEURONOPATHY, DISTAL HEREDITARY MOTOR, HARDING TYPE VI; NEUROPATHY, DISTAL HEREDITARY MOTOR, AUTOSOMAL RECESSIVE 1; SEVERE INFANTILE AXONAL NEUROPATHY WITH RESPIRATORY FAILURE; SPINAL MUSCULAR ATROPHY, DIAPHRAGMATIC; HMN VI; NEURONOPATHY, SEVERE INFANTILE AXONAL, WITH RESPIRATORY FAILURE. Identifiers: Orphanet 98920, MedGen C1858517, MONDO:0011436, OMIM 604320.
Charcot-Marie-Tooth disease axonal type 2S. Also called: CHARCOT-MARIE-TOOTH DISEASE, AXONAL, AUTOSOMAL RECESSIVE, TYPE 2S; CHARCOT-MARIE-TOOTH NEUROPATHY, TYPE 2S. Identifiers: Orphanet 443073, MedGen C4015349, MONDO:0014511, OMIM 616155.

Allele frequency attached by ClinVar (database versions not stated): gnomAD 0.00001; gnomAD exomes 0.00001; ExAC 0.00002; TOPMed 0.00002; 1000 Genomes Project 30x 0.00016; 1000 Genomes Project 0.00020.
gnomAD v4.1: 23 of 1,614,144 alleles (0.0014%); highest among the groups gnomAD compares: South Asian, 0.0077%; no homozygotes.

Submissions (3):

Mayo Clinic Laboratories, Mayo Clinic
Classification: Uncertain significance. Last evaluated: 2025-10-30. Review status: criteria provided, single submitter. Criteria: ACMG Guidelines, 2015. Collection method: clinical testing. Allele origin: germline. Observed: 1 variant allele.
Comment: BP4_moderate, PM2_supporting

Labcorp Genetics (formerly Invitae), Labcorp
Classification: Uncertain significance for Autosomal recessive distal spinal muscular atrophy 1; Charcot-Marie-Tooth disease axonal type 2S. Last evaluated: 2022-03-22. Review status: criteria provided, single submitter. Criteria: Invitae Variant Classification Sherloc (09022015). Collection method: clinical testing. Allele origin: germline.
Comment: This sequence change replaces asparagine, which is neutral and polar, with aspartic acid, which is acidic and polar, at codon 346 of the IGHMBP2 protein (p.Asn346Asp). This variant is present in population databases (rs567322475, gnomAD 0.003%). This variant has not been reported in the literature in individuals affected with IGHMBP2-related conditions. ClinVar contains an entry for this variant (Variation ID: 644337). Advanced modeling of protein sequence and biophysical properties (such as structural, functional, and spatial information, amino acid conservation, physicochemical variation, residue mobility, and thermodynamic stability) performed at Invitae indicates that this missense variant is not expected to disrupt IGHMBP2 protein function. Algorithms developed to predict the effect of sequence changes on RNA splicing suggest that this variant may create or strengthen a splice site. In summary, the available evidence is currently insufficient to determine the role of this variant in disease. Therefore, it has been classified as a Variant of Uncertain Significance.

GeneDx
Classification: Uncertain significance. Last evaluated: 2021-06-02. Review status: criteria provided, single submitter. Criteria: GeneDx Variant Classification Process June 2021. Collection method: clinical testing. Allele origin: germline. Affected: yes.
Comment: Not observed at significant frequency in large population cohorts (Lek et al., 2016); In silico analysis supports that this missense variant does not alter protein structure/function; Has not been previously published as pathogenic or benign to our knowledge; This variant is associated with the following publications: (PMID: 27535533, 25439726, 22965130, 24388491)

NM_002180.3(IGHMBP2):c.1036A>G (p.Asn346Asp)

Gene: IGHMBP2 (immunoglobulin mu DNA binding protein 2; plus strand). Cytogenetic location: 11q13.3.
Variant type: single nucleotide variant.
Coding change: c.1036A>G on transcript NM_002180.3 (MANE Select); coding-DNA position 1036, A replaced by G.
Protein change: p.Asn346Asp; replaces asparagine 346 with aspartic acid.
Molecular consequence: missense variant.
Genome position (GRCh38, 1-based): chr11:68,917,859, A>G. VCF-style: chr11-68917859-A-G. GRCh37 (hg19) VCF-style: chr11-68685327-A-G.
Other names: p.Asn346Asp; short protein forms N346D.
Identifiers: ClinVar variation 644337 (VCV000644337.8), dbSNP rs567322475, ClinGen allele CA6153483.